The following is an entry in ClinVar:

ClinVar aggregate classification (germline): Uncertain significance (1 of 4 stars; one submission).

gnomAD v4.1: 2 of 1,614,162 alleles (0.00012%); highest among the groups gnomAD compares: Non-Finnish European, 0.00017%; no homozygotes.

Submission:

Women's Health and Genetics/Laboratory Corporation of America, LabCorp
Classification: Uncertain significance. Last evaluated: 2025-07-01. Review status: criteria provided, single submitter. Criteria: LabCorp Variant Classification Summary - May 2015. Collection method: clinical testing. Allele origin: germline.
Comment: Variant summary: ELP1 c.2092G>C (p.Val698Leu) results in a conservative amino acid change in the encoded protein sequence. Algorithms developed to predict the effect of missense changes on protein structure and function are either unavailable or do not agree on the potential impact of this missense change. The variant was absent in 1614180 control chromosomes. The available data on variant occurrences in the general population are insufficient to allow any conclusion about variant significance. To our knowledge, no occurrence of c.2092G>C in individuals affected with Familial Dysautonomia and no experimental evidence demonstrating its impact on protein function have been reported. No submitters have cited clinical-significance assessments for this variant to ClinVar. Based on the evidence outlined above, the variant was classified as uncertain significance.

NM_003640.5(ELP1):c.2092G>C (p.Val698Leu)

Gene: ELP1 (elongator acetyltransferase complex subunit 1; minus strand). Cytogenetic location: 9q31.3.
Variant type: single nucleotide variant.
Coding change: c.2092G>C on transcript NM_003640.5 (MANE Select); coding-DNA position 2092, G replaced by C.
Protein change: p.Val698Leu; replaces valine 698 with leucine.
Molecular consequence: missense variant.
Genome position (GRCh38, 1-based): chr9:108,900,298, C>G on the plus strand (G>C on the coding strand, the complement: ELP1 is on the minus strand). VCF-style: chr9-108900298-C-G. GRCh37 (hg19) VCF-style: chr9-111662578-C-G.
Other names: c.1750G>C, p.Val584Leu (NM_001318360.2); c.1045G>C, p.Val349Leu (NM_001330749.2); short protein forms V349L, V584L, V698L.
Identifiers: ClinVar variation 3912003 (VCV003912003.2).